The following is an entry in ClinVar:

ClinVar aggregate classification (germline): Likely benign (1 of 4 stars; one submission).

Conditions:
MELAS syndrome (MELAS). Also called: Juvenile myopathy, encephalopathy, lactic acidosis, stroke. Identifiers: Orphanet 550, MedGen C0162671, MONDO:0010789, OMIM 540000.

Submission:

Wong Mito Lab, Molecular and Human Genetics, Baylor College of Medicine
Classification: Likely benign for MELAS syndrome. Last evaluated: 2019-07-12. Review status: criteria provided, single submitter. Criteria: Modified ACMG Guidelines (Unpublished). Collection method: clinical testing. Allele origin: germline.
Comment: The NC_012920.1:m.15944T>C variant in MT-TT gene is interpreted to be a Likely Benign variant based on the modified ACMG guidelines (unpublished). This variant meets the following evidence codes reported in the guidelines: BS1, BP4

Literature cited by the submitters: PubMed 31965079.

NC_012920.1(MT-TT):m.15944T>C

Gene: MT-TT (mitochondrially encoded tRNA threonine; plus strand).
Variant type: single nucleotide variant.
Genome position: chrM-15944-T-C.
Identifiers: ClinVar variation 690255 (VCV000690255.1), dbSNP rs1603225608, ClinGen allele CA913175262.
Genomic context (GRCh38, chrMT:15,944, plus strand): 5'-GCCTGTCCTTGTAGTATAAACTAATACACCAGTCTTGTAAACCGGAGATGAAAACCTTTT[T>C]CCAAGGACAAATCAGAGAAAAAGTCTTTAACTCCACCATTAGCACCCAAAGCTAAGATTC-3'